The following is an entry in ClinVar:

ClinVar aggregate classification (germline): Likely benign. Review status: criteria provided, multiple submitters, no conflicts (2 of 4 stars). 2 submissions from 2 submitters: Likely benign (2). Last evaluated 2025-04-22.

Conditions:
CYLD-related disorder. Also called: CYLD-related condition.

gnomAD v4.1: 129 of 1,613,708 alleles (0.008%); highest among the groups gnomAD compares: African/African-American, 0.11%; 1 homozygote.

Submissions (2):

PreventionGenetics, part of Exact Sciences
Classification: Likely benign for CYLD-related condition. Last evaluated: 2025-04-22. Review status: criteria provided, single submitter. Criteria: ACMG Guidelines, 2015. Collection method: clinical testing. Allele origin: germline.
Comment: This variant is classified as likely benign based on ACMG/AMP sequence variant interpretation guidelines (Richards et al. 2015 PMID: 25741868, with internal and published modifications).

Blueprint Genetics
Classification: Likely benign. Last evaluated: 2024-02-19. Review status: criteria provided, single submitter. Criteria: ACMG Guidelines, 2015. Collection method: clinical testing. Allele origin: germline.

NM_001378743.1(CYLD):c.594A>G (p.Ala198=)

Gene: CYLD (CYLD lysine 63 deubiquitinase; plus strand). Cytogenetic location: 16q12.1.
Variant type: single nucleotide variant.
Coding change: c.594A>G on transcript NM_001378743.1 (MANE Select); coding-DNA position 594, A replaced by G.
Protein change: p.Ala198=; no amino-acid change (alanine 198 retained).
Molecular consequence: synonymous variant. On other transcripts: 5 prime UTR variant (2), non-coding transcript variant (1).
Genome position (GRCh38, 1-based): chr16:50,751,693, A>G. VCF-style: chr16-50751693-A-G. GRCh37 (hg19) VCF-style: chr16-50785604-A-G.
Other names: c.594A>G, p.Ala198= (NM_001042355.2, NM_001042412.3, NM_001378744.1 and 10 more transcripts); c.-73A>G (NM_001378754.1, NM_001378755.1).
Identifiers: ClinVar variation 4929840 (VCV004929840.2).